The following is an entry in ClinVar:

NM_005477.3(HCN4):c.2419C>T (p.Arg807Cys)

Gene: HCN4 (hyperpolarization activated cyclic nucleotide gated potassium channel 4; minus strand). Cytogenetic location: 15q24.1.
Variant type: single nucleotide variant.
Coding change: c.2419C>T on transcript NM_005477.3 (MANE Select); coding-DNA position 2419, C replaced by T.
Protein change: p.Arg807Cys; replaces arginine 807 with cysteine.
Molecular consequence: missense variant.
Genome position (GRCh38, 1-based): chr15:73,323,674, G>A on the plus strand (C>T on the coding strand, the complement: HCN4 is on the minus strand). VCF-style: chr15-73323674-G-A. GRCh37 (hg19) VCF-style: chr15-73616015-G-A.
Other names: short protein forms R807C.
Identifiers: ClinVar variation 579479 (VCV000579479.11), dbSNP rs758427944, ClinGen allele CA7649032.
Genomic context (GRCh38, chr15:73,323,674, plus strand): 5'-TCAGGTGCCTTGGCGTCTGCCCGGCACCGAGGTTGCCCAGCCCAGATCCTGGGGGAGGGC[G>A]GAAGATGGCAGCAGGCAGGCGAGGGTGGTGGGTGAGGGCTATGGCCACAGAAGTGGTGGC-3'
Protein context (NP_005468.1, residues 797-817): HHPRLPAAIF[Arg807Cys]PPPGSGLGNL

ClinVar aggregate classification (germline): Uncertain significance. Review status: criteria provided, multiple submitters, no conflicts (2 of 4 stars). 2 submissions from 2 submitters: Uncertain significance (2). Last evaluated 2025-11-28.

Conditions:
Cardiovascular phenotype. Identifiers: MedGen CN230736.
Brugada syndrome 8 (BRGDA8). Identifiers: Orphanet 130, MedGen C2751083, MONDO:0013148, OMIM 613123.

Allele frequency attached by ClinVar (database versions not stated): ExAC 0.00002; gnomAD exomes 0.00002 and 0.00003.

Submissions (2):

Labcorp Genetics (formerly Invitae), Labcorp
Classification: Uncertain significance for Brugada syndrome 8. Last evaluated: 2025-11-28. Review status: criteria provided, single submitter. Criteria: Invitae Variant Classification Sherloc (09022015). Collection method: clinical testing. Allele origin: germline.
Comment: This sequence change replaces arginine, which is basic and polar, with cysteine, which is neutral and slightly polar, at codon 807 of the HCN4 protein (p.Arg807Cys). This variant is present in population databases (rs758427944, gnomAD 0.01%). This variant has not been reported in the literature in individuals affected with HCN4-related conditions. ClinVar contains an entry for this variant (Variation ID: 579479). Invitae Evidence Modeling of protein sequence and biophysical properties (such as structural, functional, and spatial information, amino acid conservation, physicochemical variation, residue mobility, and thermodynamic stability) has been performed for this missense variant. However, the output from this modeling did not meet the statistical confidence thresholds required to predict the impact of this variant on HCN4 protein function. In summary, the available evidence is currently insufficient to determine the role of this variant in disease. Therefore, it has been classified as a Variant of Uncertain Significance.

Ambry Genetics
Classification: Uncertain significance for Cardiovascular phenotype. Last evaluated: 2019-08-08. Review status: criteria provided, single submitter. Criteria: Ambry Variant Classification Scheme 2023. Collection method: clinical testing. Allele origin: germline.
Comment: The p.R807C variant (also known as c.2419C>T), located in coding exon 8 of the HCN4 gene, results from a C to T substitution at nucleotide position 2419. The arginine at codon 807 is replaced by cysteine, an amino acid with highly dissimilar properties. This amino acid position is well conserved in available vertebrate species. In addition, the in silico prediction for this alteration is inconclusive. Since supporting evidence is limited at this time, the clinical significance of this alteration remains unclear.